The following is an entry in ClinVar:

ClinVar aggregate classification (germline): Uncertain significance (1 of 4 stars; one submission).

Submission:

GeneDx
Classification: Uncertain significance. Last evaluated: 2023-07-07. Review status: criteria provided, single submitter. Criteria: GeneDx Variant Classification Process June 2021. Collection method: clinical testing. Allele origin: germline. Affected: yes.
Comment: Not observed at significant frequency in large population cohorts (gnomAD); In silico analysis supports that this missense variant has a deleterious effect on protein structure/function; Has not been previously published as pathogenic or benign to our knowledge

NM_130839.5(UBE3A):c.824C>T (p.Ser275Phe)

Genes: SNHG14 (small nucleolar RNA host gene 14; plus strand), UBE3A (ubiquitin protein ligase E3A; minus strand). Cytogenetic location: 15q11.2.
Variant type: single nucleotide variant.
Coding change: c.824C>T on transcript NM_130839.5 (MANE Select); coding-DNA position 824, C replaced by T.
Protein change: p.Ser275Phe; replaces serine 275 with phenylalanine.
Molecular consequence: missense variant. On other transcripts: non-coding transcript variant (1), intron variant (2).
Genome position (GRCh38, 1-based): chr15:25,371,350, G>A on the plus strand (C>T on the coding strand, the complement: UBE3A is on the minus strand). VCF-style: chr15-25371350-G-A. GRCh37 (hg19) VCF-style: chr15-25616497-G-A.
Other names: c.833C>T, p.Ser278Phe (NM_000462.5); c.824C>T, p.Ser275Phe (NM_001354505.1, NM_001354538.2, NM_001354545.2); c.764C>T, p.Ser255Phe (NM_001354506.2, NM_001354507.2, NM_001354508.2 and 17 more transcripts); c.301+4115C>T (NM_001354551.2); c.361+4115C>T (NM_001354550.2); c.647C>T, p.Ser216Phe (NM_001354546.2); short protein forms S216F, S255F, S275F, S278F.
Identifiers: ClinVar variation 3360547 (VCV003360547.1).